The following is an entry in ClinVar:

NM_000204.5(CFI):c.1022T>C (p.Val341Ala)

Gene: CFI (complement factor I; minus strand). Cytogenetic location: 4q25.
Variant type: single nucleotide variant.
Coding change: c.1022T>C on transcript NM_000204.5 (MANE Select); coding-DNA position 1022, T replaced by C.
Protein change: p.Val341Ala; replaces valine 341 with alanine.
Molecular consequence: missense variant. On other transcripts: non-coding transcript variant (3).
Genome position (GRCh38, 1-based): chr4:109,749,521, A>G on the plus strand (T>C on the coding strand, the complement: CFI is on the minus strand). VCF-style: chr4-109749521-A-G. GRCh37 (hg19) VCF-style: chr4-110670677-A-G.
Other names: c.1046T>C, p.Val349Ala (NM_001318057.2, NM_001375278.1); c.1001T>C, p.Val334Ala (NM_001331035.2, NM_001375280.1, NM_001375282.1); c.1022T>C, p.Val341Ala (NM_001375279.1, NM_001375281.1); c.965T>C, p.Val322Ala (NM_001375283.1); c.413T>C, p.Val138Ala (NM_001375284.1); short protein forms V322A, V349A, V334A, V138A, V341A.
Identifiers: ClinVar variation 1896803 (VCV001896803.5), dbSNP rs747842653, ClinGen allele CA103690962.

ClinVar aggregate classification (germline): Uncertain significance (1 of 4 stars; one submission).

Allele frequency attached by ClinVar (database versions not stated): gnomAD 0.00001; TOPMed 0.00001.
gnomAD v4.1: 5 of 1,613,448 alleles (0.00031%); highest among the groups gnomAD compares: Admixed American, 0.0017%; no homozygotes.

Submission:

Labcorp Genetics (formerly Invitae), Labcorp
Classification: Uncertain significance. Last evaluated: 2023-12-19. Review status: criteria provided, single submitter. Criteria: Invitae Variant Classification Sherloc (09022015). Collection method: clinical testing. Allele origin: germline.
Comment: This sequence change replaces valine, which is neutral and non-polar, with alanine, which is neutral and non-polar, at codon 341 of the CFI protein (p.Val341Ala). This variant is present in population databases (no rsID available, gnomAD 0.003%). This variant has not been reported in the literature in individuals affected with CFI-related conditions. ClinVar contains an entry for this variant (Variation ID: 1896803). Advanced modeling of protein sequence and biophysical properties (such as structural, functional, and spatial information, amino acid conservation, physicochemical variation, residue mobility, and thermodynamic stability) performed at Invitae indicates that this missense variant is not expected to disrupt CFI protein function with a negative predictive value of 80%. In summary, the available evidence is currently insufficient to determine the role of this variant in disease. Therefore, it has been classified as a Variant of Uncertain Significance.